The following is an entry in ClinVar:

ClinVar aggregate classification (germline): Uncertain significance (1 of 4 stars; one submission).

Submission:

Women's Health and Genetics/Laboratory Corporation of America, LabCorp
Classification: Uncertain significance. Last evaluated: 2024-12-17. Review status: criteria provided, single submitter. Criteria: LabCorp Variant Classification Summary - May 2015. Collection method: clinical testing. Allele origin: germline.
Comment: Variant summary: RRP7A c.122_123delAT (p.Tyr41CysfsX57) results in a premature termination codon, predicted to cause a truncation of the encoded protein or absence of the protein due to nonsense mediated decay, however current evidence is not sufficient to establish loss of function as a mechanism for disease. The variant allele was found at a frequency of 1.2e-05 in 251292 control chromosomes. The available data on variant occurrences in the general population are insufficient to allow any conclusion about variant significance. To our knowledge, no occurrence of c.122_123delAT in individuals affected with Microcephaly 28, Primary, Autosomal Recessive and no experimental evidence demonstrating its impact on protein function have been reported. No submitters have cited clinical-significance assessments for this variant to ClinVar. Based on the evidence outlined above, the variant was classified as uncertain significance.

NM_015703.5(RRP7A):c.122_123del (p.Tyr41fs)

Gene: RRP7A (ribosomal RNA processing 7 homolog A; minus strand). Cytogenetic location: 22q13.2.
Variant type: Deletion.
Coding change: c.122_123del on transcript NM_015703.5 (MANE Select); coding-DNA positions 122 to 123, 2 bases deleted (AT; older notation c.122_123delAT).
Protein change: p.Tyr41fs; shifts the reading frame from tyrosine 41.
Molecular consequence: frameshift variant.
Genome position (GRCh38, 1-based): chr22:42,518,098-42,518,099, AT deleted on the plus strand (AT on the coding strand, the reverse complement: RRP7A is on the minus strand); deleting any 2 consecutive bases within chr22:42,518,098-42,518,100 gives the same sequence; the c. name uses the placement nearest the transcript's 3' end. VCF-style (leftmost placement, unchanged base first): chr22-42518097-CAT-C. GRCh37 (hg19) VCF-style: chr22-42914103-CAT-C.
Other names: c.122_123delAT (NM_015703.5); short protein forms Y41fs.
Identifiers: ClinVar variation 3768558 (VCV003768558.1).